The following is an entry in ClinVar:

ClinVar aggregate classification (germline): Uncertain significance. Review status: criteria provided, multiple submitters, no conflicts (2 of 4 stars). 4 submissions from 4 submitters: Uncertain significance (4). Last evaluated 2025-09-26.

Conditions:
Atypical hemolytic-uremic syndrome. Identifiers: Orphanet 2134, MedGen C2931788, MONDO:0016244.
Factor I deficiency (CFID). Also called: Complement factor I deficiency. Identifiers: Orphanet 200418, MedGen C3463916, MONDO:0012594, OMIM 610984.
Atypical hemolytic-uremic syndrome with I factor anomaly. Also called: HEMOLYTIC UREMIC SYNDROME, ATYPICAL, SUSCEPTIBILITY TO, 3; AHUS, SUSCEPTIBILITY TO, 3. Identifiers: Orphanet 2134, MedGen C2752039, MONDO:0013041, OMIM 612923.
Age related macular degeneration 13. Identifiers: MedGen C3809523, MONDO:0014189, OMIM 615439.

Allele frequency attached by ClinVar (database versions not stated): gnomAD exomes 0.00001 and 0.00004; ExAC 0.00002; TOPMed 0.00005; gnomAD 0.00006; ESP Exome Variant Server 0.00015.

Submissions (4):

Genomenon, Inc
Classification: Uncertain significance for Atypical hemolytic-uremic syndrome. Last evaluated: 2025-09-26. Review status: criteria provided, single submitter. Criteria: Genomenon Sequence Variant Interpretation Standards - Updated. Collection method: curation. Allele origin: germline. Affected: yes.
Comment: CFI p.Asp44Asn (c.130G>A) is a missense variant that changes the amino acid at residue 44 from Aspartic acid to Asparagine. This variant has been observed in at least one proband affected with atypical hemolytic-uremic syndrome (PMID:28596415). Functional studies have been reported; however, the significance of the findings remain unclear (PMID:32510551;20044478). It is absent or not present at a significant frequency in gnomAD. In silico models agree that this variant is not damaging. In conclusion, we classify CFI p.Asp44Asn (c.130G>A) as a variant of unknown significance.

Labcorp Genetics (formerly Invitae), Labcorp
Classification: Uncertain significance. Last evaluated: 2025-04-14. Review status: criteria provided, single submitter. Criteria: Invitae Variant Classification Sherloc (09022015). Collection method: clinical testing. Allele origin: germline.
Comment: This sequence change replaces aspartic acid, which is acidic and polar, with asparagine, which is neutral and polar, at codon 44 of the CFI protein (p.Asp44Asn). This variant is present in population databases (rs374036714, gnomAD 0.008%). This missense change has been observed in individual(s) with age-related macular degeneration (PMID: 24036952, 32510551). ClinVar contains an entry for this variant (Variation ID: 1404667). Invitae Evidence Modeling of protein sequence and biophysical properties (such as structural, functional, and spatial information, amino acid conservation, physicochemical variation, residue mobility, and thermodynamic stability) indicates that this missense variant is not expected to disrupt CFI protein function with a negative predictive value of 80%. Experimental studies are conflicting or provide insufficient evidence to determine the effect of this variant on CFI function (PMID: 32510551). In summary, the available evidence is currently insufficient to determine the role of this variant in disease. Therefore, it has been classified as a Variant of Uncertain Significance.

Fulgent Genetics
Classification: Uncertain significance for Factor I deficiency; Atypical hemolytic-uremic syndrome with I factor anomaly; Age related macular degeneration 13. Last evaluated: 2024-04-01. Review status: criteria provided, single submitter. Criteria: ACMG Guidelines, 2015. Collection method: clinical testing. Allele origin: germline.

Breakthrough Genomics
Classification: Uncertain significance. Review status: criteria provided, single submitter. Criteria: ACMG Guidelines, 2015. Collection method: not provided. Allele origin: germline. Inheritance: Autosomal recessive inheritance. Affected: yes.

Literature cited by the submitters: PubMed 28596415 (cited by Genomenon, Inc); 32510551 (cited by Genomenon, Inc); 20044478 (cited by Genomenon, Inc); PubMed 24036952 (cited by Labcorp Genetics (formerly Invitae), Labcorp); PubMed 32510551 (cited by Labcorp Genetics (formerly Invitae), Labcorp).

NM_000204.5(CFI):c.130G>A (p.Asp44Asn)

Gene: CFI (complement factor I; minus strand). Cytogenetic location: 4q25.
Variant type: single nucleotide variant.
Coding change: c.130G>A on transcript NM_000204.5 (MANE Select); coding-DNA position 130, G replaced by A.
Protein change: p.Asp44Asn; replaces aspartic acid 44 with asparagine.
Molecular consequence: missense variant. On other transcripts: non-coding transcript variant (3), intron variant (1).
Genome position (GRCh38, 1-based): chr4:109,766,752, C>T on the plus strand (G>A on the coding strand, the complement: CFI is on the minus strand). VCF-style: chr4-109766752-C-T. GRCh37 (hg19) VCF-style: chr4-110687908-C-T.
Other names: c.130G>A, p.Asp44Asn (NM_001318057.2, NM_001331035.2, NM_001375278.1 and 5 more transcripts); c.-127-5060G>A (NM_001375284.1); short protein forms D44N.
Identifiers: ClinVar variation 1404667 (VCV001404667.12), dbSNP rs374036714, ClinGen allele CA3042343.
Genomic context (GRCh38, chr4:109,766,752, plus strand): 5'-GTAGTTTACAAACACAGGTGCCCTCAATGCATCTCTGCCATGGCTGGCAGAAGACTTTAT[C>T]GCAGGAGAGGTGAGTATATTTTTTTGCTAAGCACTTTTTCTCCACCAGATCCTCTTGAGA-3'
Protein context (NP_000195.3, residues 34-54): LAKKYTHLSC[Asp44Asn]KVFCQPWQRC